The following is an entry in ClinVar:

NM_182961.4(SYNE1):c.12394T>G (p.Trp4132Gly)

Gene: SYNE1 (spectrin repeat containing nuclear envelope protein 1; minus strand). Cytogenetic location: 6q25.2.
Variant type: single nucleotide variant.
Coding change: c.12394T>G on transcript NM_182961.4 (MANE Select); coding-DNA position 12394, T replaced by G.
Protein change: p.Trp4132Gly; replaces tryptophan 4132 with glycine.
Molecular consequence: missense variant.
Genome position (GRCh38, 1-based): chr6:152,336,975, A>C on the plus strand (T>G on the coding strand, the complement: SYNE1 is on the minus strand). VCF-style: chr6-152336975-A-C. GRCh37 (hg19) VCF-style: chr6-152658110-A-C.
Other names: c.12181T>G, p.Trp4061Gly (NM_033071.5); short protein forms W4061G, W4132G.
Identifiers: ClinVar variation 4793712 (VCV004793712.1).
Genomic context (GRCh38, chr6:152,336,975, plus strand): 5'-GCTGATCAGCATCTTGCAGGTAAATCCAGAGCTCAGACTTCAGGTGCTTGATCTCTTCCC[A>C]GCCCTGAGTTAAGTTCTGGGCCTGGACAAGCTTTTGTTCAATCTTGAGAAAACACAGAGA-3'
Protein context (NP_892006.3, residues 4122-4142): LVQAQNLTQG[Trp4132Gly]EEIKHLKSEL

ClinVar aggregate classification (germline): Uncertain significance (1 of 4 stars; one submission).

Conditions:
Emery-Dreifuss muscular dystrophy 4, autosomal dominant (EDMD4). Also called: EMERY-DREIFUSS MUSCULAR DYSTROPHY 4 WITH VARIABLE FEATURES. Identifiers: Orphanet 261, MedGen C2751807, MONDO:0013071, OMIM 612998.
Autosomal recessive ataxia, Beauce type. Also called: Spinocerebellar ataxia, autosomal recessive 8; ATAXIA, RECESSIVE, OF BEAUCE; SYNE1 Deficiency; SYNE1-Related Autosomal Recessive Cerebellar Ataxia. Identifiers: Orphanet 88644, MedGen C1853116, MONDO:0012549, OMIM 610743.

Submission:

Labcorp Genetics (formerly Invitae), Labcorp
Classification: Uncertain significance for Emery-Dreifuss muscular dystrophy 4, autosomal dominant; Autosomal recessive ataxia, Beauce type. Last evaluated: 2025-12-01. Review status: criteria provided, single submitter. Criteria: Invitae Variant Classification Sherloc (09022015). Collection method: clinical testing. Allele origin: germline.
Comment: This sequence change replaces tryptophan, which is neutral and slightly polar, with glycine, which is neutral and non-polar, at codon 4061 of the SYNE1 protein (p.Trp4061Gly). This variant is not present in population databases (gnomAD no frequency). This variant has not been reported in the literature in individuals affected with SYNE1-related conditions. An algorithm developed to predict the effect of missense changes on protein structure and function (PolyPhen-2) suggests that this variant is likely to be disruptive. In summary, the available evidence is currently insufficient to determine the role of this variant in disease. Therefore, it has been classified as a Variant of Uncertain Significance.